The following is an entry in ClinVar:

NM_024757.5(EHMT1):c.824-2del

Gene: EHMT1 (euchromatic histone lysine methyltransferase 1; plus strand). Cytogenetic location: 9q34.3.
Variant type: Deletion.
Coding change: c.824-2del on transcript NM_024757.5 (MANE Select); the canonical splice acceptor site of the intron before coding-DNA position 824, one base deleted (A; older notation c.824-2delA).
Molecular consequence: splice acceptor variant. On other transcripts: intron variant (1).
Genome position (GRCh38, 1-based): chr9:137,743,369, A deleted. VCF-style (leftmost placement, unchanged base first): chr9-137743368-TA-T. GRCh37 (hg19) VCF-style: chr9-140637820-TA-T.
Other names: c.824-23del (NM_001354263.2); c.731-2del (NM_001354259.2, NM_001354612.2); c.824-2del (NM_001145527.2, NM_001354611.2).
Identifiers: ClinVar variation 992223 (VCV000992223.3), dbSNP rs1234654104, ClinGen allele CA591375813.

ClinVar aggregate classification (germline): Pathogenic/Likely pathogenic. Review status: criteria provided, multiple submitters, no conflicts (2 of 4 stars). 2 submissions from 2 submitters: Pathogenic (1); Likely pathogenic (1). Last evaluated 2023-03-30.

Conditions:
Kleefstra syndrome 1 (KLEFS1). Identifiers: Orphanet 261494, MedGen C0795833, MONDO:0027407, OMIM 610253.

Submissions (2):

Mendelics
Classification: Pathogenic. Last evaluated: 2023-03-30. Review status: criteria provided, single submitter. Criteria: Mendelics Assertion Criteria 2019. Collection method: clinical testing. Allele origin: germline.

Women's Health and Genetics/Laboratory Corporation of America, LabCorp
Classification: Likely pathogenic for Kleefstra syndrome 1. Last evaluated: 2020-12-03. Review status: criteria provided, single submitter. Criteria: LabCorp Variant Classification Summary - May 2015. Collection method: clinical testing. Allele origin: germline.
Comment: Variant summary: EHMT1 c.824-2delA is located in a canonical splice-site and is predicted to affect mRNA splicing resulting in a significantly altered protein due to either exon skipping, shortening, or inclusion of intronic material. Several computational tools predict a significant impact on normal splicing: Four predict that the variant abolishes a 3-prime acceptor site. However, these predictions have yet to be confirmed by functional studies. The variant allele was found at a frequency of 0.00011 in 210198 control chromosomes (gnomAD). The available data on variant occurrences in the general population are insufficient to allow any conclusion about variant significance. To our knowledge, no occurrence of c.824-2delA in individuals affected with Kleefstra Syndrome 1 and no experimental evidence demonstrating its impact on protein function have been reported. No clinical diagnostic laboratories have submitted clinical-significance assessments for this variant to ClinVar after 2014. Based on the evidence outlined above, the variant was classified as likely pathogenic.